The following is an entry in ClinVar:

NM_001039111.3(TRIM71):c.2374G>C (p.Gly792Arg)

Gene: TRIM71 (tripartite motif containing 71; plus strand). Cytogenetic location: 3p22.3.
Variant type: single nucleotide variant.
Coding change: c.2374G>C on transcript NM_001039111.3 (MANE Select); coding-DNA position 2374, G replaced by C.
Protein change: p.Gly792Arg; replaces glycine 792 with arginine.
Molecular consequence: missense variant.
Genome position (GRCh38, 1-based): chr3:32,891,578, G>C. VCF-style: chr3-32891578-G-C. GRCh37 (hg19) VCF-style: chr3-32933070-G-C.
Other names: short protein forms G792R.
Identifiers: ClinVar variation 3363842 (VCV003363842.1).
Genomic context (GRCh38, chr3:32,891,578, plus strand): 5'-CTGGTTATTCACCCCGACTGCCAGTCGGCACGCTTTCTGGGCTCGGAGGGCACAGGCAAT[G>C]GGCAGTTCCTGCGCCCACAAGGGGTAGCTGTGGACCAGGAAGGGCGCATCATTGTGGCGG-3'
Protein context (NP_001034200.1, residues 782-802): RFLGSEGTGN[Gly792Arg]QFLRPQGVAV

ClinVar aggregate classification (germline): Uncertain significance (1 of 4 stars; one submission).

gnomAD v4.1: 2 of 1,613,782 alleles (0.00012%); highest among the groups gnomAD compares: African/African-American, 0.0027%; no homozygotes.

Submission:

GeneDx
Classification: Uncertain significance. Last evaluated: 2023-11-10. Review status: criteria provided, single submitter. Criteria: GeneDx Variant Classification Process June 2021. Collection method: clinical testing. Allele origin: germline. Affected: yes.
Comment: Not observed at significant frequency in large population cohorts (gnomAD); In silico analysis supports that this missense variant has a deleterious effect on protein structure/function; Has not been previously published as pathogenic or benign to our knowledge